The following is an entry in ClinVar:

NM_001378454.1(ALMS1):c.9914A>G (p.Asn3305Ser)

Gene: ALMS1 (ALMS1 centrosome and basal body associated protein; plus strand). Cytogenetic location: 2p13.1.
Variant type: single nucleotide variant.
Coding change: c.9914A>G on transcript NM_001378454.1 (MANE Select); coding-DNA position 9914, A replaced by G.
Protein change: p.Asn3305Ser; replaces asparagine 3305 with serine.
Molecular consequence: missense variant.
Genome position (GRCh38, 1-based): chr2:73,550,273, A>G. VCF-style: chr2-73550273-A-G. GRCh37 (hg19) VCF-style: chr2-73777400-A-G.
Other names: c.9917A>G, p.Asn3306Ser (NM_015120.4); short protein forms N3306S, N3305S.
Identifiers: ClinVar variation 393379 (VCV000393379.44), dbSNP rs142022233, ClinGen allele CA1714830.

ClinVar aggregate classification (germline): Benign. Review status: criteria provided, multiple submitters, no conflicts (2 of 4 stars). 9 submissions from 9 submitters: Benign (8). 1 of the submissions does not count toward it. Last evaluated 2026-06-01.

Conditions:
Cardiovascular phenotype. Identifiers: MedGen CN230736.
Monogenic diabetes. Identifiers: Orphanet 183625, MedGen C3888631, MONDO:0015967.
Alstrom syndrome (ALMS). Identifiers: Orphanet 64, MedGen C0268425, MONDO:0008763, OMIM 203800.

Allele frequency attached by ClinVar (database versions not stated): gnomAD 0.00158 and 0.00236; TOPMed 0.00184; ESP Exome Variant Server 0.00315; gnomAD exomes 0.00368 and 0.00534; ExAC 0.00597; 1000 Genomes Project 30x 0.00687; 1000 Genomes Project 0.00719.
gnomAD v4.1: 5,743 of 1,614,066 alleles (0.36%); highest among the groups gnomAD compares: South Asian, 2.7%; 67 homozygotes.

Submissions (21):

CeGaT Center for Human Genetics Tuebingen
Classification: Benign. Last evaluated: 2026-06-01. Review status: criteria provided, single submitter. Criteria: CeGaT Center For Human Genetics Tuebingen Variant Classification Criteria Version 2. Collection method: clinical testing. Allele origin: germline. Affected: yes. Observed: 10 variant alleles.
Comment: ALMS1: BP4, BS1, BS2

Labcorp Genetics (formerly Invitae), Labcorp
Classification: Benign for Alstrom syndrome. Last evaluated: 2026-02-04. Review status: criteria provided, single submitter. Criteria: Invitae Variant Classification Sherloc (09022015). Collection method: clinical testing. Allele origin: germline.

Ambry Genetics
Classification: Benign for Cardiovascular phenotype. Last evaluated: 2019-05-30. Review status: criteria provided, single submitter. Criteria: Ambry Variant Classification Scheme 2023. Collection method: clinical testing. Allele origin: germline.

Personalized Diabetes Medicine Program, University of Maryland School of Medicine
Classification: Benign for Monogenic diabetes. Last evaluated: 2018-05-18. Review status: criteria provided, single submitter. Criteria: ACMG Guidelines, 2015. Collection method: research. Allele origin: unknown. Observed: 3 variant alleles, 3 heterozygotes.
Comment: ACMG criteria: [BP4 (3 predictors) PP3 (6 predictors) Revel score 0.193: conflicting data, not using], BS2 (20 homozygotes in gnomAD, all but 1 South Asian), BS1 (2.67% in South Asians in gnomAD), BP1 (missense variant when truncating is disease causing) (Partners/Invitae/GeneDx all call benign but no longer using BP6)= benign

Women's Health and Genetics/Laboratory Corporation of America, LabCorp
Classification: Benign. Last evaluated: 2018-01-02. Review status: criteria provided, single submitter. Criteria: LabCorp Variant Classification Summary - May 2015. Collection method: clinical testing. Allele origin: germline.
Comment: Variant summary: The ALMS1 c.9911A>G (p.Asn3304Ser; alternative nomenclature c.9917A>G, p.N3306S) variant involves the alteration of a conserved nucleotide. 2/3 in silico tools predict a benign outcome for this variant. This variant was found in 1363/276886 control chromosomes, predominantly observed in the South Asian subpopulation at a frequency of 0.026704 (821/30744), including 19 homozygotes. This frequency is about 12 times the estimated maximal expected allele frequency of a pathogenic ALMS1 variant (0.0022361), suggesting this is likely a benign polymorphism found primarily in the populations of South Asian origin. In addition, multiple clinical diagnostic laboratories/reputable databases classified this variant as benign. Taken together, this variant is classified as benign.

GeneDx
Classification: Benign. Last evaluated: 2017-01-24. Review status: criteria provided, single submitter. Criteria: GeneDx Variant Classification (06012015). Collection method: clinical testing. Allele origin: germline. Affected: yes.
Comment: This variant is considered likely benign or benign based on one or more of the following criteria: it is a conservative change, it occurs at a poorly conserved position in the protein, it is predicted to be benign by multiple in silico algorithms, and/or has population frequency not consistent with disease.

Laboratory for Molecular Medicine, Mass General Brigham Personalized Medicine
Classification: Benign. Last evaluated: 2016-03-21. Review status: criteria provided, single submitter. Criteria: LMM Criteria. Collection method: clinical testing. Allele origin: germline. Observed: 3 variant alleles.
Comment: p.Asn3304Ser in exon 13 of ALMS1: This variant is not expected to have clinical significance because it has been identified in 2.76% (455/16484) of South Asian chromosomes by the Exome Aggregation Consortium (ExAC; dbSNP rs142022233).

Breakthrough Genomics
Classification: Benign. Review status: criteria provided, single submitter. Criteria: ACMG Guidelines, 2015. Collection method: not provided. Allele origin: germline. Inheritance: Autosomal recessive inheritance. Affected: yes.

Natera, Inc.
Classification: Benign for Alstrom syndrome. Last evaluated: 2020-09-16. Review status: no assertion criteria provided. Collection method: clinical testing. Allele origin: germline. Not counted in ClinVar's aggregate classification.

Dr. Peter K. Rogan Lab, Western University
No classification provided (evidence only). Condition: Melanoma. Review status: no classification provided. Collection method: in vitro. Allele origin: not applicable. Functional consequence: skipped exon, retained intron. Not counted in ClinVar's aggregate classification.

Dr. Peter K. Rogan Lab, Western University
No classification provided (evidence only). Condition: Acute myeloid leukemia. Review status: no classification provided. Collection method: in vitro. Allele origin: not applicable. Functional consequence: retained intron. Not counted in ClinVar's aggregate classification.

Dr. Peter K. Rogan Lab, Western University
No classification provided (evidence only). Condition: Thyroid cancer, nonmedullary, 1. Review status: no classification provided. Collection method: in vitro. Allele origin: not applicable. Functional consequence: skipped exon. Not counted in ClinVar's aggregate classification.

Dr. Peter K. Rogan Lab, Western University
No classification provided (evidence only). Condition: Cervical cancer. Review status: no classification provided. Collection method: in vitro. Allele origin: not applicable. Functional consequence: retained intron. Not counted in ClinVar's aggregate classification.

Dr. Peter K. Rogan Lab, Western University
No classification provided (evidence only). Condition: Cervical cancer. Review status: no classification provided. Collection method: in vitro. Allele origin: not applicable. Functional consequence: skipped exon, retained intron. Not counted in ClinVar's aggregate classification.

Dr. Peter K. Rogan Lab, Western University
No classification provided (evidence only). Condition: Hepatocellular carcinoma. Review status: no classification provided. Collection method: in vitro. Allele origin: not applicable. Functional consequence: skipped exon. Not counted in ClinVar's aggregate classification.

Dr. Peter K. Rogan Lab, Western University
No classification provided (evidence only). Condition: Hepatocellular carcinoma. Review status: no classification provided. Collection method: in vitro. Allele origin: not applicable. Functional consequence: retained intron. Not counted in ClinVar's aggregate classification.

Dr. Peter K. Rogan Lab, Western University
No classification provided (evidence only). Condition: Nonpapillary renal cell carcinoma. Review status: no classification provided. Collection method: in vitro. Allele origin: not applicable. Functional consequence: skipped exon. Not counted in ClinVar's aggregate classification.

Dr. Peter K. Rogan Lab, Western University
No classification provided (evidence only). Condition: Ovarian serous cystadenocarcinoma. Review status: no classification provided. Collection method: in vitro. Allele origin: not applicable. Functional consequence: retained intron. Not counted in ClinVar's aggregate classification.

Dr. Peter K. Rogan Lab, Western University
No classification provided (evidence only). Condition: Ovarian serous cystadenocarcinoma. Review status: no classification provided. Collection method: in vitro. Allele origin: not applicable. Functional consequence: retained intron. Not counted in ClinVar's aggregate classification.

Dr. Peter K. Rogan Lab, Western University
No classification provided (evidence only). Condition: Gastric cancer. Review status: no classification provided. Collection method: in vitro. Allele origin: not applicable. Functional consequence: retained intron. Not counted in ClinVar's aggregate classification.

Dr. Peter K. Rogan Lab, Western University
No classification provided (evidence only). Condition: Malignant tumor of esophagus. Review status: no classification provided. Collection method: in vitro. Allele origin: not applicable. Functional consequence: retained intron. Not counted in ClinVar's aggregate classification.